The following is an entry in ClinVar:

ClinVar aggregate classification (germline): Uncertain significance (1 of 4 stars; one submission).

Conditions:
Charcot-Marie-Tooth disease type 4. Also called: Charcot-Marie-Tooth disease, type IV; Charcot-Marie-Tooth, Type 4. Identifiers: Orphanet 64749, MedGen C4082197, MONDO:0018995.

Submission:

Labcorp Genetics (formerly Invitae), Labcorp
Classification: Uncertain significance for Charcot-Marie-Tooth disease type 4. Last evaluated: 2021-06-17. Review status: criteria provided, single submitter. Criteria: Invitae Variant Classification Sherloc (09022015). Collection method: clinical testing. Allele origin: germline.
Comment: Algorithms developed to predict the effect of sequence changes on RNA splicing suggest that this variant may create or strengthen a splice site, but this prediction has not been confirmed by published transcriptional studies. In summary, the available evidence is currently insufficient to determine the role of this variant in disease. Therefore, it has been classified as a Variant of Uncertain Significance. This variant has not been reported in the literature in individuals with PRX-related conditions. This variant is not present in population databases (ExAC no frequency). This sequence change replaces lysine with arginine at codon 800 of the PRX protein (p.Lys800Arg). The lysine residue is highly conserved and there is a small physicochemical difference between lysine and arginine. Algorithms developed to predict the effect of missense changes on protein structure and function output the following: SIFT: "Tolerated"; PolyPhen-2: "Possibly Damaging"; Align-GVGD: "Class C0". The arginine amino acid residue is found in multiple mammalian species, suggesting that this missense change does not adversely affect protein function. These predictions have not been confirmed by published functional studies and their clinical significance is uncertain.

NM_181882.3(PRX):c.2399A>G (p.Lys800Arg)

Gene: PRX (periaxin; minus strand). Cytogenetic location: 19q13.2.
Variant type: single nucleotide variant.
Coding change: c.2399A>G on transcript NM_181882.3 (MANE Select); coding-DNA position 2399, A replaced by G.
Protein change: p.Lys800Arg; replaces lysine 800 with arginine.
Molecular consequence: missense variant. On other transcripts: 3 prime UTR variant (1).
Genome position (GRCh38, 1-based): chr19:40,395,953, T>C on the plus strand (A>G on the coding strand, the complement: PRX is on the minus strand). VCF-style: chr19-40395953-T-C. GRCh37 (hg19) VCF-style: chr19-40901860-T-C.
Other names: c.*2604A>G (NM_020956.2); short protein forms K800R.
Identifiers: ClinVar variation 1523762 (VCV001523762.8), dbSNP rs2145728557, ClinGen allele CA405896371.